The following is an entry in ClinVar:

NM_001278293.3(ARL6):c.137A>G (p.Asn46Ser)

Gene: ARL6 (ARF like GTPase 6; plus strand). Cytogenetic location: 3q11.2.
Variant type: single nucleotide variant.
Coding change: c.137A>G on transcript NM_001278293.3 (MANE Select); coding-DNA position 137, A replaced by G.
Protein change: p.Asn46Ser; replaces asparagine 46 with serine.
Molecular consequence: missense variant. On other transcripts: non-coding transcript variant (7).
Genome position (GRCh38, 1-based): chr3:97,780,172, A>G. VCF-style: chr3-97780172-A-G. GRCh37 (hg19) VCF-style: chr3-97499016-A-G.
Other names: c.137A>G, p.Asn46Ser (NM_001323513.2, NM_001323514.2, NM_032146.5 and 1 more transcripts); short protein forms N46S.
Identifiers: ClinVar variation 3349516 (VCV003349516.1).
Genomic context (GRCh38, chr3:97,780,172, plus strand): 5'-CATCTCTGGTAATTGTAAATTTCTGAACTTTGTCTTTTCTCTTAAAGGCTCAATCTCAAA[A>G]TATCCTTCCAACAATAGGATTCAGCATAGAGAAATTCAAATCATCCAGGTAATCCACTTT-3'
Protein context (NP_001265222.1, residues 36-56): KLKPSNAQSQ[Asn46Ser]ILPTIGFSIE

ClinVar aggregate classification (germline): Uncertain significance (0 of 4 stars; one submission).

Conditions:
ARL6-related disorder. Also called: ARL6-related condition.

gnomAD v4.1: 1 of 1,612,882 alleles (0.000062%); highest among the groups gnomAD compares: Admixed American, 0.0017%; no homozygotes.

Submission:

PreventionGenetics, part of Exact Sciences
Classification: Uncertain significance for ARL6-related condition. Last evaluated: 2023-11-01. Review status: no assertion criteria provided. Collection method: clinical testing. Allele origin: germline.
Comment: The ARL6 c.137A>G variant is predicted to result in the amino acid substitution p.Asn46Ser. To our knowledge, this variant has not been reported in the literature. This variant is reported in 0.0029% of alleles in individuals of Latino descent in gnomAD. At this time, the clinical significance of this variant is uncertain due to the absence of conclusive functional and genetic evidence.